The following is an entry in ClinVar:

ClinVar aggregate classification (germline): Uncertain significance. Review status: no assertion criteria provided (0 of 4 stars). 2 submissions from 2 submitters: Uncertain significance (2). Last evaluated 2020-02-14.

Conditions:
Intellectual developmental disorder, X-linked, syndromic 33. Also called: X-linked intellectual disability-global development delay-facial dysmorphism-sacral caudal remnant syndrome; Intellectual disability, X-linked, syndromic 33. Identifiers: Orphanet 480907, MedGen C4225418, MONDO:0010500, OMIM 300966.

Submissions (2):

Gene Discovery Core-Manton Center, Boston Children's Hospital
Classification: Uncertain significance for Intellectual developmental disorder, X-linked, syndromic 33. Last evaluated: 2020-02-14. Review status: no assertion criteria provided. Collection method: research. Allele origin: germline. Affected: yes.
Comment: This variant is interpretted as Pathogenic for MRXS33 intellectual disability syndrome; X-linked recessive. PM1 - Located in a mutational hot spot and/or critical and well-established functional domain without benign variation. PM2 - Absent from controls (or at extremely low frequency if recessive) in Exome Sequencing Project, 1000 Genomes Project, or Exome Aggregation Consortium. PP2 - Missense variant in a gene that has a low rate of benign missense variation and in which missense variants are a common mechanism of disease.

Genome Medicine, Institute for Basic Research in Developmental Disabilities
Classification: Uncertain significance for Intellectual developmental disorder, X-linked, syndromic 33. Last evaluated: 2019-09-23. Review status: no assertion criteria provided. Collection method: clinical testing. Allele origin: maternal. Affected: yes.

NM_004606.5(TAF1):c.3992T>A (p.Ile1331Asn)

Gene: TAF1 (TATA-box binding protein associated factor 1; plus strand). Cytogenetic location: Xq13.1.
Variant type: single nucleotide variant.
Coding change: c.3992T>A on transcript NM_004606.5 (MANE Select); coding-DNA position 3992, T replaced by A.
Protein change: p.Ile1331Asn; replaces isoleucine 1331 with asparagine.
Molecular consequence: missense variant. On other transcripts: non-coding transcript variant (9).
Genome position (GRCh38, 1-based): chrX:71,401,733, T>A. VCF-style: chrX-71401733-T-A. GRCh37 (hg19) VCF-style: chrX-70621583-T-A.
Other names: c.3992T>A, p.Ile1331Asn (NM_001286074.2); c.3929T>A, p.Ile1310Asn (NM_138923.4); short protein forms I1351N, I1310N, I1331N.
Identifiers: ClinVar variation 694249 (VCV000694249.3), dbSNP rs1602549992, ClinGen allele CA413534277.